The following is an entry in ClinVar:

NM_000288.4(PEX7):c.20G>A (p.Gly7Glu)

Gene: PEX7 (peroxisomal biogenesis factor 7; plus strand). Cytogenetic location: 6q23.3.
Variant type: single nucleotide variant.
Coding change: c.20G>A on transcript NM_000288.4 (MANE Select); coding-DNA position 20, G replaced by A.
Protein change: p.Gly7Glu; replaces glycine 7 with glutamic acid.
Molecular consequence: missense variant.
Genome position (GRCh38, 1-based): chr6:136,822,685, G>A. VCF-style: chr6-136822685-G-A. GRCh37 (hg19) VCF-style: chr6-137143823-G-A.
Other names: short protein forms G7E.
Identifiers: ClinVar variation 1944944 (VCV001944944.2), dbSNP rs766966840, ClinGen allele CA365855086.

ClinVar aggregate classification (germline): Uncertain significance (1 of 4 stars; one submission).

Conditions:
Peroxisome biogenesis disorder 9B. Also called: PEX7-Related Refsum Disease; Refsum disease, adult, 2; PEROXISOME BIOGENESIS DISORDER, PEX7-RELATED, ATYPICAL. Identifiers: Orphanet 773, MedGen C2749346, MONDO:0013945, OMIM 614879.

Submission:

Labcorp Genetics (formerly Invitae), Labcorp
Classification: Uncertain significance for Peroxisome biogenesis disorder 9B. Last evaluated: 2022-07-19. Review status: criteria provided, single submitter. Criteria: Invitae Variant Classification Sherloc (09022015). Collection method: clinical testing. Allele origin: germline.
Comment: This sequence change replaces glycine, which is neutral and non-polar, with glutamic acid, which is acidic and polar, at codon 7 of the PEX7 protein (p.Gly7Glu). This variant is not present in population databases (gnomAD no frequency). This variant has not been reported in the literature in individuals affected with PEX7-related conditions. Algorithms developed to predict the effect of missense changes on protein structure and function (SIFT, PolyPhen-2, Align-GVGD) all suggest that this variant is likely to be tolerated. In summary, the available evidence is currently insufficient to determine the role of this variant in disease. Therefore, it has been classified as a Variant of Uncertain Significance.